The following is an entry in ClinVar:

NC_012920.1(MT-ND6):m.14500A>T

Gene: MT-ND6 (mitochondrially encoded NADH dehydrogenase 6; minus strand).
Variant type: single nucleotide variant.
Genome position: chrM-14500-A-T.
Identifiers: ClinVar variation 3251970 (VCV003251970.1), dbSNP rs1603224760.

ClinVar aggregate classification (germline): Uncertain significance (1 of 4 stars; one submission).

Conditions:
Leber optic atrophy (LHON). Also called: Optic Atrophy, Hereditary, Leber; Leber hereditary optic neuropathy; Leber's disease; Leber's optic atrophy. Identifiers: Orphanet 104, MedGen C0917796, MONDO:0010788, OMIM 535000, HP:0001112.

Submission:

Diagnostics Services (NGS), CSIR - Centre For Cellular And Molecular Biology
Classification: Uncertain significance for Leber optic atrophy. Last evaluated: 2024-04-24. Review status: criteria provided, single submitter. Criteria: ACMG Guidelines, 2015. Collection method: clinical testing. Allele origin: unknown. Inheritance: Mitochondrial inheritance. Affected: yes. Observed: 1 variant allele, 1 homozygote.
Comment: The m.14500A>T variant is not present in publicly available population databases like gnomAD v3.1, mtDB and our in-house exome database. The variant is present in MITOMAP and HelixMtdb databases at very low frequencies, only in heteroplasmic state. This variant has neither been published in literature with MT-ND6-related conditions nor reported to the ClinVar or OMIM databases, in any affected individuals. This variant is present in the MitImpact database (ID- MI.23822). In-silico pathogenicity prediction programs like SIFT4G, PolyPhen-2, CADD, APOGEE1 etc predicted this variant to be likely deleterious, however these predictions were not confirmed by published functional studies.